The following is an entry in ClinVar:

NM_016222.4(DDX41):c.208C>A (p.Pro70Thr)

Gene: DDX41 (DEAD-box helicase 41; minus strand). Cytogenetic location: 5q35.3.
Variant type: single nucleotide variant.
Coding change: c.208C>A on transcript NM_016222.4 (MANE Select); coding-DNA position 208, C replaced by A.
Protein change: p.Pro70Thr; replaces proline 70 with threonine.
Molecular consequence: missense variant. On other transcripts: 5 prime UTR variant (2).
Genome position (GRCh38, 1-based): chr5:177,516,378, G>T on the plus strand (C>A on the coding strand, the complement: DDX41 is on the minus strand). VCF-style: chr5-177516378-G-T. GRCh37 (hg19) VCF-style: chr5-176943379-G-T.
Other names: c.-171C>A (NM_001321732.2, NM_001321830.2); short protein forms P70T.
Identifiers: ClinVar variation 3838958 (VCV003838958.1).

ClinVar aggregate classification (germline): Uncertain significance (1 of 4 stars; one submission).

Conditions:
Inborn genetic diseases. Identifiers: MedGen C0950123, MeSH D030342.

Submission:

Ambry Genetics
Classification: Uncertain significance for Inborn genetic diseases. Last evaluated: 2024-12-22. Review status: criteria provided, single submitter. Criteria: Ambry Variant Classification Scheme 2023. Collection method: clinical testing. Allele origin: germline.
Comment: The p.P70T variant (also known as c.208C>A), located in coding exon 3 of the DDX41 gene, results from a C to A substitution at nucleotide position 208. The proline at codon 70 is replaced by threonine, an amino acid with highly similar properties. This amino acid position is conserved. In addition, this alteration is predicted to be tolerated by in silico analysis. Based on the available evidence, the clinical significance of this variant remains unclear.